The following is an entry in ClinVar:

NM_001360016.2(G6PD):c.645-3C>T

Gene: G6PD (glucose-6-phosphate dehydrogenase; minus strand). Cytogenetic location: Xq28.
Variant type: single nucleotide variant.
Coding change: c.645-3C>T on transcript NM_001360016.2 (MANE Select); 3 bases into the intron before coding-DNA position 645, C replaced by T.
Molecular consequence: intron variant.
Genome position (GRCh38, 1-based): chrX:154,534,163, G>A on the plus strand (C>T on the coding strand, the complement: G6PD is on the minus strand). VCF-style: chrX-154534163-G-A. GRCh37 (hg19) VCF-style: chrX-153762378-G-A.
Other names: c.735-3C>T (NM_000402.4); c.645-3C>T (NM_001042351.3).
Identifiers: ClinVar variation 3013857 (VCV003013857.3), dbSNP rs781850181, ClinGen allele CA10566185.

ClinVar aggregate classification (germline): Uncertain significance (1 of 4 stars; one submission).

Conditions:
Anemia, nonspherocytic hemolytic, due to G6PD deficiency (CNSHA1). Also called: Class I glucose-6-phosphate dehydrogenase deficiency; Favism, susceptibility to; ANEMIA, CONGENITAL, NONSPHEROCYTIC HEMOLYTIC, 1; Hemolytic anemia due to G6PD deficiency. Identifiers: Orphanet 466026, MedGen C2720289, MONDO:0010480, OMIM 300908.

Allele frequency attached by ClinVar (database versions not stated): ExAC 0.00001.

Submission:

Labcorp Genetics (formerly Invitae), Labcorp
Classification: Uncertain significance for Anemia, nonspherocytic hemolytic, due to G6PD deficiency. Last evaluated: 2023-11-21. Review status: criteria provided, single submitter. Criteria: Invitae Variant Classification Sherloc (09022015). Collection method: clinical testing. Allele origin: germline.
Comment: This sequence change falls in intron 6 of the G6PD gene. It does not directly change the encoded amino acid sequence of the G6PD protein. It affects a nucleotide within the consensus splice site. The frequency data for this variant in the population databases is considered unreliable, as metrics indicate poor data quality at this position in the gnomAD database. This variant has not been reported in the literature in individuals affected with G6PD-related conditions. Variants that disrupt the consensus splice site are a relatively common cause of aberrant splicing (PMID: 17576681, 9536098). Algorithms developed to predict the effect of sequence changes on RNA splicing suggest that this variant is not likely to affect RNA splicing. In summary, the available evidence is currently insufficient to determine the role of this variant in disease. Therefore, it has been classified as a Variant of Uncertain Significance.

Literature cited by the submitters: PubMed 17576681; PubMed 9536098.